The following is an entry in ClinVar:

NM_031844.3(HNRNPU):c.621G>C (p.Gln207His)

Gene: HNRNPU (heterogeneous nuclear ribonucleoprotein U; minus strand). Cytogenetic location: 1q44.
Variant type: single nucleotide variant.
Coding change: c.621G>C on transcript NM_031844.3 (MANE Select); coding-DNA position 621, G replaced by C.
Protein change: p.Gln207His; replaces glutamine 207 with histidine.
Molecular consequence: missense variant.
Genome position (GRCh38, 1-based): chr1:244,863,687, C>G on the plus strand (G>C on the coding strand, the complement: HNRNPU is on the minus strand). VCF-style: chr1-244863687-C-G. GRCh37 (hg19) VCF-style: chr1-245026989-C-G.
Other names: c.621G>C, p.Gln207His (NM_004501.3); short protein forms Q207H.
Identifiers: ClinVar variation 1046059 (VCV001046059.47), dbSNP rs759528610, ClinGen allele CA345496294.
Genomic context (GRCh38, chr1:244,863,687, plus strand): 5'-AGCCCCGGGGCGACCGCCGCCTCCGCCGCCTTCCGCCTTCTTCTTACCTCCCGCCTGCTG[C>G]TGGCCCTGCCTCGCCCCGGGCGGCGCCACCGTCACCGCGAACAGCGAGGTGGGGCCGCTG-3'
Protein context (NP_114032.2, residues 197-217): TVAPPGARQG[Gln207His]QQAGGKKKAE

ClinVar aggregate classification (germline): Uncertain significance (1 of 4 stars; one submission).

Conditions:
Developmental and epileptic encephalopathy, 54. Also called: HNRNPU-Related Neurodevelopmental Disorder; Epileptic encephalopathy, early infantile, 54. Identifiers: MedGen C4479319, MONDO:0033363, OMIM 617391.

Submission:

Labcorp Genetics (formerly Invitae), Labcorp
Classification: Uncertain significance for Developmental and epileptic encephalopathy, 54. Last evaluated: 2020-02-12. Review status: criteria provided, single submitter. Criteria: Invitae Variant Classification Sherloc (09022015). Collection method: clinical testing. Allele origin: germline.
Comment: This variant is not present in population databases (ExAC no frequency). In summary, the available evidence is currently insufficient to determine the role of this variant in disease. Therefore, it has been classified as a Variant of Uncertain Significance. Algorithms developed to predict the effect of missense changes on protein structure and function are either unavailable or do not agree on the potential impact of this missense change (SIFT: "Deleterious"; PolyPhen-2: "Benign"; Align-GVGD: "Class C0"). This variant has not been reported in the literature in individuals with HNRNPU-related conditions. This sequence change replaces glutamine with histidine at codon 207 of the HNRNPU protein (p.Gln207His). The glutamine residue is weakly conserved and there is a small physicochemical difference between glutamine and histidine.